The following is an entry in ClinVar:

NM_018706.7(DHTKD1):c.2340A>G (p.Gln780=)

Gene: DHTKD1 (dehydrogenase E1 and transketolase domain containing 1; plus strand). Cytogenetic location: 10p14.
Variant type: single nucleotide variant.
Coding change: c.2340A>G on transcript NM_018706.7 (MANE Select); coding-DNA position 2340, A replaced by G.
Protein change: p.Gln780=; no amino-acid change (glutamine 780 retained).
Molecular consequence: synonymous variant.
Genome position (GRCh38, 1-based): chr10:12,117,693, A>G. VCF-style: chr10-12117693-A-G. GRCh37 (hg19) VCF-style: chr10-12159692-A-G.
Identifiers: ClinVar variation 783569 (VCV000783569.14), dbSNP rs149564288, ClinGen allele CA5408229.

ClinVar aggregate classification (germline): Likely benign. Review status: criteria provided, multiple submitters, no conflicts (2 of 4 stars). 4 submissions from 4 submitters: Likely benign (3). 1 of the submissions does not count toward it. Last evaluated 2025-10-13.

Conditions:
DHTKD1-related disorder. Also called: DHTKD1-related condition.
2-aminoadipic 2-oxoadipic aciduria (AAKAD). Also called: Aminoadipic aciduria; ALPHA-AMINOADIPIC AND ALPHA-KETOADIPIC ACIDURIA. Identifiers: Orphanet 79154, MedGen C1859817, MONDO:0008774, OMIM 204750.

Allele frequency attached by ClinVar (database versions not stated): gnomAD exomes 0.00023; ExAC 0.00025; ESP Exome Variant Server 0.00054; gnomAD 0.00086 and 0.00087; 1000 Genomes Project 0.00100; TOPMed 0.00103; 1000 Genomes Project 30x 0.00109.
gnomAD v4.1: 298 of 1,607,056 alleles (0.019%); highest among the groups gnomAD compares: African/African-American, 0.34%; 2 homozygotes.

Submissions (4):

Labcorp Genetics (formerly Invitae), Labcorp
Classification: Likely benign for 2-aminoadipic 2-oxoadipic aciduria. Last evaluated: 2025-10-13. Review status: criteria provided, single submitter. Criteria: Invitae Variant Classification Sherloc (09022015). Collection method: clinical testing. Allele origin: germline.

ARUP Laboratories, Molecular Genetics and Genomics, ARUP Laboratories
Classification: Likely benign. Last evaluated: 2023-12-20. Review status: criteria provided, single submitter. Criteria: ARUP Molecular Germline Variant Investigation Process 2024. Collection method: clinical testing. Allele origin: germline.

Breakthrough Genomics
Classification: Likely benign. Review status: criteria provided, single submitter. Criteria: ACMG Guidelines, 2015. Collection method: not provided. Allele origin: germline. Inheritance: Autosomal recessive inheritance. Affected: yes.

PreventionGenetics, part of Exact Sciences
Classification: Likely benign for DHTKD1-related condition. Last evaluated: 2023-02-24. Review status: no assertion criteria provided. Collection method: clinical testing. Allele origin: germline. Not counted in ClinVar's aggregate classification.
Comment: This variant is classified as likely benign based on ACMG/AMP sequence variant interpretation guidelines (Richards et al. 2015 PMID: 25741868, with internal and published modifications).